The following is an entry in ClinVar:

NM_152703.5(SAMD9L):c.3317C>T (p.Ala1106Val)

Gene: SAMD9L (sterile alpha motif domain containing 9 like; minus strand). Cytogenetic location: 7q21.2.
Variant type: single nucleotide variant.
Coding change: c.3317C>T on transcript NM_152703.5 (MANE Select); coding-DNA position 3317, C replaced by T.
Protein change: p.Ala1106Val; replaces alanine 1106 with valine.
Molecular consequence: missense variant.
Genome position (GRCh38, 1-based): chr7:93,132,655, G>A on the plus strand (C>T on the coding strand, the complement: SAMD9L is on the minus strand). VCF-style: chr7-93132655-G-A. GRCh37 (hg19) VCF-style: chr7-92761968-G-A.
Other names: c.3317C>T, p.Ala1106Val (NM_001303496.3, NM_001303497.3, NM_001303498.3 and 5 more transcripts); c.3317C>T (NM_152703.2); short protein forms A1106V.
Identifiers: ClinVar variation 3622647 (VCV003622647.4).

ClinVar aggregate classification (germline): Uncertain significance. Review status: criteria provided, multiple submitters, no conflicts (2 of 4 stars). 3 submissions from 3 submitters: Uncertain significance (3). Last evaluated 2025-04-03.

Conditions:
Inborn genetic diseases. Identifiers: MedGen C0950123, MeSH D030342.

gnomAD v4.1: 5 of 1,613,840 alleles (0.00031%); highest among the groups gnomAD compares: Non-Finnish European, 0.00042%; no homozygotes.

Submissions (3):

Ambry Genetics
Classification: Uncertain significance for Inborn genetic diseases. Last evaluated: 2025-04-03. Review status: criteria provided, single submitter. Criteria: Ambry Variant Classification Scheme 2023. Collection method: clinical testing. Allele origin: germline.
Comment: The p.A1106V variant (also known as c.3317C>T), located in coding exon 1 of the SAMD9L gene, results from a C to T substitution at nucleotide position 3317. The alanine at codon 1106 is replaced by valine, an amino acid with similar properties. This amino acid position is conserved. In addition, this alteration is predicted to be tolerated by in silico analysis. Based on the available evidence, the clinical significance of this variant remains unclear.

Labcorp Genetics (formerly Invitae), Labcorp
Classification: Uncertain significance. Last evaluated: 2024-05-13. Review status: criteria provided, single submitter. Criteria: Invitae Variant Classification Sherloc (09022015). Collection method: clinical testing. Allele origin: germline.
Comment: This sequence change replaces alanine, which is neutral and non-polar, with valine, which is neutral and non-polar, at codon 1106 of the SAMD9L protein (p.Ala1106Val). This variant is present in population databases (no rsID available, gnomAD 0.002%). This variant has not been reported in the literature in individuals affected with SAMD9L-related conditions. Advanced modeling of protein sequence and biophysical properties (such as structural, functional, and spatial information, amino acid conservation, physicochemical variation, residue mobility, and thermodynamic stability) has been performed at Invitae for this missense variant, however the output from this modeling did not meet the statistical confidence thresholds required to predict the impact of this variant on SAMD9L protein function. In summary, the available evidence is currently insufficient to determine the role of this variant in disease. Therefore, it has been classified as a Variant of Uncertain Significance.

Blueprint Genetics
Classification: Uncertain significance. Last evaluated: 2023-03-01. Review status: criteria provided, single submitter. Criteria: ACMG Guidelines, 2015. Collection method: clinical testing. Allele origin: germline.